The following is an entry in ClinVar:

NM_014314.4(RIGI):c.233A>G (p.Asp78Gly)

Gene: RIGI (RNA sensor RIG-I; minus strand). Cytogenetic location: 9p21.1.
Variant type: single nucleotide variant.
Coding change: c.233A>G on transcript NM_014314.4 (MANE Select); coding-DNA position 233, A replaced by G.
Protein change: p.Asp78Gly; replaces aspartic acid 78 with glycine.
Molecular consequence: missense variant. On other transcripts: 5 prime UTR variant (3).
Genome position (GRCh38, 1-based): chr9:32,500,813, T>C on the plus strand (A>G on the coding strand, the complement: RIGI is on the minus strand). VCF-style: chr9-32500813-T-C. GRCh37 (hg19) VCF-style: chr9-32500811-T-C.
Other names: c.233A>G, p.Asp78Gly (NM_001385907.1, NM_001385909.1, NM_001385913.1); c.-222A>G (NM_001385910.1, NM_001385914.1); c.-229A>G (NM_001385912.1); short protein forms D78G.
Identifiers: ClinVar variation 1944493 (VCV001944493.5), dbSNP rs769691196, ClinGen allele CA5020145.

ClinVar aggregate classification (germline): Uncertain significance (1 of 4 stars; one submission).

Allele frequency attached by ClinVar (database versions not stated): TOPMed below 0.00001; ExAC 0.00001; gnomAD exomes 0.00001.
gnomAD v4.1: 12 of 1,614,070 alleles (0.00074%); highest among the groups gnomAD compares: South Asian, 0.0011%; no homozygotes.

Submission:

Labcorp Genetics (formerly Invitae), Labcorp
Classification: Uncertain significance. Last evaluated: 2022-06-28. Review status: criteria provided, single submitter. Criteria: Invitae Variant Classification Sherloc (09022015). Collection method: clinical testing. Allele origin: germline.
Comment: This sequence change replaces aspartic acid, which is acidic and polar, with glycine, which is neutral and non-polar, at codon 78 of the DDX58 protein (p.Asp78Gly). This variant is present in population databases (rs769691196, gnomAD 0.003%). This variant has not been reported in the literature in individuals affected with DDX58-related conditions. Algorithms developed to predict the effect of missense changes on protein structure and function output the following: SIFT: "Tolerated"; PolyPhen-2: "Benign"; Align-GVGD: "Class C0". The glycine amino acid residue is found in multiple mammalian species, which suggests that this missense change does not adversely affect protein function. In summary, the available evidence is currently insufficient to determine the role of this variant in disease. Therefore, it has been classified as a Variant of Uncertain Significance.